The following is an entry in ClinVar:

ClinVar aggregate classification (germline): Pathogenic/Likely pathogenic. Review status: criteria provided, multiple submitters, no conflicts (2 of 4 stars). 10 submissions from 10 submitters: Pathogenic (7); Likely pathogenic (3). Last evaluated 2026-01-27.

Conditions:
Wilson disease (WND). Also called: Wilson's disease. Identifiers: Orphanet 905, MedGen C0019202, MONDO:0010200, OMIM 277900. Disease mechanism: loss of function.
ATP7B-related disorder. Also called: ATP7B-related condition.

Allele frequency attached by ClinVar (database versions not stated): gnomAD 0.00001; gnomAD exomes 0.00001 and 0.00002; TOPMed 0.00001; ExAC 0.00002.
gnomAD v4.1: 23 of 1,613,780 alleles (0.0014%); highest among the groups gnomAD compares: Non-Finnish European, 0.0019%; no homozygotes.

Submissions (10):

PreventionGenetics, part of Exact Sciences
Classification: Pathogenic for ATP7B-related condition. Last evaluated: 2026-01-27. Review status: criteria provided, single submitter. Criteria: ACMG Guidelines, 2015. Collection method: clinical testing. Allele origin: germline.
Comment: The ATP7B c.2108G>A variant is predicted to result in the amino acid substitution p.Cys703Tyr. This variant has been reported in multiple individuals with Wilson disease (Table 2, Cox et al. 2005. PubMed ID: 16088907; Table S1, Stalke et al. 2019. PubMed ID: 30723317; Abdel Ghaffar et al. 2011. PubMed ID: 21682854; Table S12, Coffey et al. 2013. PubMed ID: 23518715). This variant has been reported in the homozygous state and the presumed compound heterozygous state along with a second pathogenic ATP7B variant in affected individuals (Table S1, Stalke et al. 2019. PubMed ID: 30723317; Table S12, Coffey et al. 2013. PubMed ID: 23518715). This variant is reported in 0.0018% of alleles in individuals of European (Non-Finnish) descent in gnomAD. In ClinVar, this variant has been interpreted as likely pathogenic and pathogenic. This variant is interpreted as pathogenic.

Labcorp Genetics (formerly Invitae), Labcorp
Classification: Pathogenic for Wilson disease. Last evaluated: 2025-12-01. Review status: criteria provided, single submitter. Criteria: Invitae Variant Classification Sherloc (09022015). Collection method: clinical testing. Allele origin: germline.
Comment: This sequence change replaces cysteine, which is neutral and slightly polar, with tyrosine, which is neutral and polar, at codon 703 of the ATP7B protein (p.Cys703Tyr). This variant is present in population databases (rs767218895, gnomAD 0.002%). This missense change has been observed in individual(s) with Wilson disease (PMID: 16088907, 18483695, 21682854). ClinVar contains an entry for this variant (Variation ID: 1177269). Invitae Evidence Modeling of protein sequence and biophysical properties (such as structural, functional, and spatial information, amino acid conservation, physicochemical variation, residue mobility, and thermodynamic stability) indicates that this missense variant is expected to disrupt ATP7B protein function with a positive predictive value of 80%. For these reasons, this variant has been classified as Pathogenic.

Natera, Inc.
Classification: Pathogenic for Wilson disease. Last evaluated: 2025-08-04. Review status: criteria provided, single submitter. Criteria: Natera Variant Classification Schema (03/2026). Collection method: clinical testing. Allele origin: germline.
Comment: The c.2108G>A variant in ATP7B is a missense variant predicted to cause substitution of cysteine to tyrosine at amino acid 703. This variant is rare in the general population with a frequency below the threshold expected for the associated phenotype(s). This variant has been observed in one or more individuals affected with the associated recessive disease, as either homozygous or compound heterozygous with a second variant (PMID: 32322813, 30723317, 23518715, 21682854). This variant has been identified in one or more affected individuals with a phenotype highly consistent with the associated gene (PMID: 30723317, 23518715, 21682854). Computational prediction algorithms indicate this variant is likely to affect gene or protein function. Given the available evidence, this variant is classified as Pathogenic.

Color Diagnostics, LLC DBA Color Health
Classification: Likely pathogenic for Wilson disease. Last evaluated: 2025-07-07. Review status: criteria provided, single submitter. Criteria: ACMG Guidelines, 2015. Collection method: clinical testing. Allele origin: germline.
Comment: This missense variant replaces cysteine with tyrosine at codon 703 of the ATP7B protein. Computational prediction suggests that this variant may have deleterious impact on protein structure and function. This variant alters a conserved cysteine residue in the transmembrane MB domain of the ATP7B protein (a.a. 694 - 724), a highly conserved region that is considered to be important for ATP7B protein function (PMID: 35245129ClinVar). To our knowledge, functional studies have not been reported for this variant. This variant has been observed in individuals affected with autosomal recessive Wilson disease (PMID: 16088907, 18483695, 21682854, 23518715, 27499926, 30723317, 32322813), including in at least three individuals who carried a second pathogenic variant in the same gene (PMID: 23518715, 30723317, 32322813) and in at least one in individual in the homozygous state with no suspicion of parental consanguinity (PMID: 27499926). This variant has been identified in 2/249170 chromosomes in the general population by the Genome Aggregation Database (gnomAD). Based on the available evidence, this variant is classified as Likely Pathogenic.

All of Us Research Program, National Institutes of Health
Classification: Likely pathogenic for Wilson disease. Last evaluated: 2024-04-01. Review status: criteria provided, single submitter. Criteria: ACMG Guidelines, 2015. Collection method: clinical testing. Allele origin: germline. Inheritance: Autosomal recessive inheritance. Observed: 2 variant alleles, 2 heterozygotes.
Comment: This missense variant replaces cysteine with tyrosine at codon 703 of the ATP7B protein. Computational prediction suggests that this variant may have deleterious impact on protein structure and function (internally defined REVEL score threshold >= 0.7, PMID: 27666373). This variant alters a conserved cysteine residue in the transmembrane MB domain of the ATP7B protein (a.a. 694 - 724), a highly conserved region that is considered to be important for ATP7B protein function (PMID: 35245129; ClinVar). To our knowledge, functional studies have not been reported for this variant. This variant has been observed in individuals affected with autosomal recessive Wilson disease (PMID: 16088907, 18483695, 21682854, 23518715, 27499926, 30723317, 32322813), including in at least three individuals who carried a second pathogenic variant in the same gene (PMID: 23518715, 30723317, 32322813) and in at least one in individual in the homozygous state with no suspicion of parental consanguinity (PMID: 27499926). This variant has been identified in 2/249170 chromosomes in the general population by the Genome Aggregation Database (gnomAD). Based on the available evidence, this variant is classified as Likely Pathogenic.

This study involves interpretation of variants in research participants for the purpose of population health screening. Participant phenotype was not available at the time of variant classification. Additional details can be found in publication PMID: 35346344, PMCID: PMC8962531

Baylor Genetics
Classification: Pathogenic for Wilson disease. Last evaluated: 2024-03-08. Review status: criteria provided, single submitter. Criteria: ACMG Guidelines, 2015. Collection method: clinical testing. Allele origin: unknown.

Mayo Clinic Laboratories, Mayo Clinic
Classification: Pathogenic. Last evaluated: 2023-06-12. Review status: criteria provided, single submitter. Criteria: ACMG Guidelines, 2015. Collection method: clinical testing. Allele origin: germline. Observed: 1 variant allele.
Comment: PP3, PP4, PM2, PM3_strong, PS4_moderate

Blueprint Genetics
Classification: Pathogenic for ATP7B-related disorders. Last evaluated: 2021-10-19. Review status: criteria provided, single submitter. Criteria: ACMG Guidelines, 2015. Collection method: clinical testing. Allele origin: germline. Affected: yes. Observed: 3 variant alleles.

Genome-Nilou Lab
Classification: Likely pathogenic for Wilson disease. Last evaluated: 2021-08-10. Review status: criteria provided, single submitter. Criteria: ACMG Guidelines, 2015. Collection method: clinical testing. Allele origin: germline. Affected: no.

Women's Health and Genetics/Laboratory Corporation of America, LabCorp
Classification: Pathogenic for Wilson disease. Last evaluated: 2021-06-19. Review status: criteria provided, single submitter. Criteria: LabCorp Variant Classification Summary - May 2015. Collection method: clinical testing. Allele origin: germline.
Comment: Variant summary: ATP7B c.2108G>A (p.Cys703Tyr) results in a non-conservative amino acid change located in the Heavy metal associated domain of the encoded protein sequence. Five of five in-silico tools predict a damaging effect of the variant on protein function. The variant allele was found at a frequency of 8e-06 in 249170 control chromosomes. c.2108G>A has been reported in the literature in multiple comprehensively phenotyped and fully sequenced individuals affected with Wilson Disease (example, Cox_2005, Abdelghaffar_2008 and 2011, Kascakova_2016, Barada_2017). These data indicate that the variant is very likely to be associated with disease. To our knowledge, no experimental evidence demonstrating an impact on protein function has been reported. No clinical diagnostic laboratories have submitted clinical-significance assessments for this variant to ClinVar after 2014. Based on the evidence outlined above, the variant was classified as pathogenic.

Literature cited by the submitters: PubMed 16088907 (cited by 5 submitters); PubMed 18483695 (cited by 5 submitters); PubMed 21682854 (cited by 6 submitters); PubMed 32322813 (cited by 4 submitters); PubMed 30723317 (cited by 5 submitters); PubMed 23518715 (cited by 5 submitters); PubMed 27499926 (cited by 4 submitters); PubMed 35245129 (cited by Color Diagnostics, LLC DBA Color Health and All of Us Research Program, National Institutes of Health); PubMed 22692182 (cited by Mayo Clinic Laboratories, Mayo Clinic); PubMed 23235335 (cited by Mayo Clinic Laboratories, Mayo Clinic and Women's Health and Genetics/Laboratory Corporation of America, LabCorp); PubMed 29085216 (cited by Mayo Clinic Laboratories, Mayo Clinic and Women's Health and Genetics/Laboratory Corporation of America, LabCorp); PubMed 31751128 (cited by Mayo Clinic Laboratories, Mayo Clinic and Women's Health and Genetics/Laboratory Corporation of America, LabCorp).

NM_000053.4(ATP7B):c.2108G>A (p.Cys703Tyr)

Gene: ATP7B (ATPase copper transporting beta; minus strand). Cytogenetic location: 13q14.3.
Variant type: single nucleotide variant.
Coding change: c.2108G>A on transcript NM_000053.4 (MANE Select); coding-DNA position 2108, G replaced by A.
Protein change: p.Cys703Tyr; replaces cysteine 703 with tyrosine.
Molecular consequence: missense variant. On other transcripts: intron variant (2).
Genome position (GRCh38, 1-based): chr13:51,960,161, C>T on the plus strand (G>A on the coding strand, the complement: ATP7B is on the minus strand). VCF-style: chr13-51960161-C-T. GRCh37 (hg19) VCF-style: chr13-52534297-C-T.
Other names: p.Cys703Tyr; c.1775G>A, p.Cys592Tyr (NM_001243182.2); c.2108G>A, p.Cys703Tyr (NM_001330578.2); c.1870-2554G>A (NM_001005918.3); c.1870-1617G>A (NM_001330579.2); short protein forms C592Y, C703Y.
Identifiers: ClinVar variation 1177269 (VCV001177269.16), dbSNP rs767218895, ClinGen allele CA6989119.